The following is an entry in ClinVar:

ClinVar aggregate classification (germline): Likely benign. Review status: criteria provided, multiple submitters, no conflicts (2 of 4 stars). 2 submissions from 2 submitters: Likely benign (2). Last evaluated 2024-08-13.

Conditions:
Tuberous sclerosis syndrome (TSC). Also called: Tuberous Sclerosis Complex; Tuberous sclerosis. Identifiers: Orphanet 805, MedGen C0041341, MONDO:0001734.
Tuberous sclerosis 2 (TSC2). Identifiers: Orphanet 805, MedGen C1860707, MONDO:0013199, OMIM 613254.

Submissions (2):

All of Us Research Program, National Institutes of Health
Classification: Likely benign for Tuberous sclerosis syndrome. Last evaluated: 2024-08-13. Review status: criteria provided, single submitter. Criteria: ACMG Guidelines, 2015. Collection method: clinical testing. Allele origin: germline. Inheritance: Autosomal dominant inheritance. Observed: 1 variant allele, 1 heterozygote.
Comment: This study involves interpretation of variants in research participants for the purpose of population health screening. Participant phenotype was not available at the time of variant classification. Additional details can be found in publication PMID: 35346344, PMCID: PMC8962531

Labcorp Genetics (formerly Invitae), Labcorp
Classification: Likely benign for Tuberous sclerosis 2. Last evaluated: 2019-10-02. Review status: criteria provided, single submitter. Criteria: Invitae Variant Classification Sherloc (09022015). Collection method: clinical testing. Allele origin: germline.

NM_000548.5(TSC2):c.3927T>C (p.Pro1309=)

Gene: TSC2 (TSC complex subunit 2; plus strand). Cytogenetic location: 16p13.3.
Variant type: single nucleotide variant.
Coding change: c.3927T>C on transcript NM_000548.5 (MANE Select); coding-DNA position 3927, T replaced by C.
Protein change: p.Pro1309=; no amino-acid change (proline 1309 retained).
Molecular consequence: synonymous variant.
Genome position (GRCh38, 1-based): chr16:2,083,738, T>C. VCF-style: chr16-2083738-T-C. GRCh37 (hg19) VCF-style: chr16-2133739-T-C.
Other names: c.3726T>C, p.Pro1242= (NM_001077183.3); c.3858T>C, p.Pro1286= (NM_001114382.3); c.3618T>C, p.Pro1206= (NM_001318827.2); c.3582T>C, p.Pro1194= (NM_001318829.2); c.3195T>C, p.Pro1065= (NM_001318831.2); c.3759T>C, p.Pro1253= (NM_001318832.2); c.3729T>C, p.Pro1243= (NM_001363528.2); c.3795T>C, p.Pro1265= (NM_001370404.1); and 1 more.
Identifiers: ClinVar variation 1120472 (VCV001120472.10), dbSNP rs1488161104, ClinGen allele CA492956237.
Genomic context (GRCh38, chr16:2,083,738, plus strand): 5'-CGTCTGTGTCCTCCCAGACTCCGCCGTGGTCATGGAGGAGGGAAGTCCGGGCGAGGTTCC[T>C]GTGCTGGTGGAGCCCCCAGGGTTGGAGGACGTTGAGGCAGCGCTAGGCATGGACAGGCGC-3'
Protein context (NP_000539.2, residues 1299-1319): VMEEGSPGEV[Pro1309=]VLVEPPGLED